The following is an entry in ClinVar:

NM_152564.5(VPS13B):c.6364A>G (p.Thr2122Ala)

Gene: VPS13B (vacuolar protein sorting 13 homolog B; plus strand). Cytogenetic location: 8q22.2.
Variant type: single nucleotide variant.
Coding change: c.6364A>G on transcript NM_152564.5 (MANE Select); coding-DNA position 6364, A replaced by G.
Protein change: p.Thr2122Ala; replaces threonine 2122 with alanine.
Molecular consequence: missense variant.
Genome position (GRCh38, 1-based): chr8:99,699,842, A>G. VCF-style: chr8-99699842-A-G. GRCh37 (hg19) VCF-style: chr8-100712070-A-G.
Other names: c.6439A>G, p.Thr2147Ala (NM_017890.5); short protein forms T2122A, T2147A.
Identifiers: ClinVar variation 3625044 (VCV003625044.1).

ClinVar aggregate classification (germline): Uncertain significance (1 of 4 stars; one submission).

Conditions:
Cohen syndrome (COH1). Also called: Cutis verticis gyrata, retinitis pigmentosa, and sensorineural deafness; PEPPER SYNDROME. Identifiers: Orphanet 193, MedGen C0265223, MONDO:0008999, OMIM 216550.

gnomAD v4.1: 2 of 1,613,850 alleles (0.00012%); highest among the groups gnomAD compares: Admixed American, 0.0017%; no homozygotes.

Submission:

Labcorp Genetics (formerly Invitae), Labcorp
Classification: Uncertain significance for Cohen syndrome. Last evaluated: 2024-02-15. Review status: criteria provided, single submitter. Criteria: Invitae Variant Classification Sherloc (09022015). Collection method: clinical testing. Allele origin: germline.
Comment: This sequence change replaces threonine, which is neutral and polar, with alanine, which is neutral and non-polar, at codon 2147 of the VPS13B protein (p.Thr2147Ala). This variant is present in population databases (no rsID available, gnomAD 0.003%). This variant has not been reported in the literature in individuals affected with VPS13B-related conditions. Advanced modeling of protein sequence and biophysical properties (such as structural, functional, and spatial information, amino acid conservation, physicochemical variation, residue mobility, and thermodynamic stability) performed at Invitae indicates that this missense variant is not expected to disrupt VPS13B protein function with a negative predictive value of 80%. In summary, the available evidence is currently insufficient to determine the role of this variant in disease. Therefore, it has been classified as a Variant of Uncertain Significance.